The following is an entry in ClinVar:

NM_015662.3(IFT172):c.4290dup (p.Ile1431fs)

Gene: IFT172 (intraflagellar transport 172; minus strand). Cytogenetic location: 2p23.3.
Variant type: Duplication.
Coding change: c.4290dup on transcript NM_015662.3 (MANE Select); coding-DNA position 4290, one base duplicated (C; older notation c.4290dupC).
Protein change: p.Ile1431fs; shifts the reading frame from isoleucine 1431.
Molecular consequence: frameshift variant.
Genome position (GRCh38, 1-based): chr2:27,449,315, G duplicated on the plus strand (C on the coding strand, the reverse complement: IFT172 is on the minus strand). VCF-style (leftmost placement, unchanged base first): chr2-27449314-T-TG. GRCh37 (hg19) VCF-style: chr2-27672181-T-TG.
Other names: short protein forms I1431fs.
Identifiers: ClinVar variation 424482 (VCV000424482.2), dbSNP rs1553322497, ClinGen allele CA16617526.

ClinVar aggregate classification (germline): Likely pathogenic (1 of 4 stars; one submission).

Submission:

GeneDx
Classification: Likely pathogenic. Last evaluated: 2017-04-03. Review status: criteria provided, single submitter. Criteria: GeneDx Variant Classification (06012015). Collection method: clinical testing. Allele origin: germline. Affected: yes.
Comment: The c.4290dupC variant in the IFT172 gene has not been reported previously as a pathogenic variant nor as a benign variant, to our knowledge. The c.4290dupC variant causes a frameshift starting with codon Isoleucine 1431, changes this amino acid to a Histidine residue, and creates a premature Stop codon at position 2 of the new reading frame, denoted p.Ile1431HisfsX2. This variant is predicted to cause loss of normal protein function either through protein truncation or nonsense-mediated mRNA decay. The c.4290dupC variant is not observed in large population cohorts (Lek et al., 2016; 1000 Genomes Consortium et al., 2015; Exome Variant Server). We interpret c.4290dupC as a likely pathogenic variant.